The following is an entry in ClinVar:

ClinVar aggregate classification (germline): Conflicting classifications of pathogenicity. Review status: criteria provided, conflicting classifications (1 of 4 stars). 6 submissions from 5 submitters: Uncertain significance (5); Likely benign (1). Last evaluated 2025-02-04.

Conditions:
Spinocerebellar ataxia, autosomal recessive, with axonal neuropathy 2 (SCAN2). Also called: ATAXIA-OCULOMOTOR APRAXIA 2; Ataxia with Oculomotor Apraxia; Ataxia-ocular apraxia-2; Ataxia with Oculomotor Apraxia Type 2. Identifiers: Orphanet 64753, MedGen C1853761, MONDO:0018996, OMIM 606002.
Amyotrophic lateral sclerosis type 4 (ALS4). Also called: AMYOTROPHIC LATERAL SCLEROSIS 4, JUVENILE; NEURONOPATHY, DISTAL HEREDITARY MOTOR, WITH PYRAMIDAL FEATURES. Identifiers: Orphanet 357043, MedGen C1865409, MONDO:0011223, OMIM 602433.
Inborn genetic diseases. Identifiers: MedGen C0950123, MeSH D030342.

Allele frequency attached by ClinVar (database versions not stated): gnomAD exomes 0.00001.
gnomAD v4.1: 11 of 1,614,218 alleles (0.00068%); highest among the groups gnomAD compares: Non-Finnish European, 0.00093%; no homozygotes.

Submissions (6):

Athena Diagnostics
Classification: Uncertain significance. Last evaluated: 2025-02-04. Review status: criteria provided, single submitter. Criteria: Athena Diagnostics Criteria. Collection method: clinical testing. Allele origin: unknown.
Comment: Available data are insufficient to determine the clinical significance of the variant at this time. The frequency of this variant in the general population is uninformative in assessment of its pathogenicity. Computational tools yielded predictions that this variant may result in the gain of a cryptic splice site without affecting the natural splice sites. Polyphen and MutationTaster predict this amino acid change may be benign.

Blueprint Genetics
Classification: Uncertain significance. Last evaluated: 2024-05-27. Review status: criteria provided, single submitter. Criteria: ACMG Guidelines, 2015. Collection method: clinical testing. Allele origin: germline.

Labcorp Genetics (formerly Invitae), Labcorp
Classification: Likely benign for Amyotrophic lateral sclerosis type 4; Spinocerebellar ataxia, autosomal recessive, with axonal neuropathy 2. Last evaluated: 2023-07-10. Review status: criteria provided, single submitter. Criteria: Invitae Variant Classification Sherloc (09022015). Collection method: clinical testing. Allele origin: germline.

Genome-Nilou Lab
Classification: Uncertain significance for Spinocerebellar ataxia, autosomal recessive, with axonal neuropathy 2. Last evaluated: 2023-02-08. Review status: criteria provided, single submitter. Criteria: ACMG Guidelines, 2015. Collection method: clinical testing. Allele origin: germline.

Genome-Nilou Lab
Classification: Uncertain significance for Amyotrophic lateral sclerosis type 4. Last evaluated: 2023-02-08. Review status: criteria provided, single submitter. Criteria: ACMG Guidelines, 2015. Collection method: clinical testing. Allele origin: germline.

Ambry Genetics
Classification: Uncertain significance for Inborn genetic diseases. Last evaluated: 2021-10-08. Review status: criteria provided, single submitter. Criteria: Ambry Variant Classification Scheme 2023. Collection method: clinical testing. Allele origin: germline.
Comment: The p.A1645G variant (also known as c.4934C>G), located in coding exon 8 of the SETX gene, results from a C to G substitution at nucleotide position 4934. The alanine at codon 1645 is replaced by glycine, an amino acid with similar properties. This amino acid position is conserved. In addition, this alteration is predicted to be tolerated by in silico analysis. Since supporting evidence is limited at this time, the clinical significance of this alteration remains unclear.

NM_015046.7(SETX):c.4934C>G (p.Ala1645Gly)

Gene: SETX (senataxin; minus strand). Cytogenetic location: 9q34.13.
Variant type: single nucleotide variant.
Coding change: c.4934C>G on transcript NM_015046.7 (MANE Select); coding-DNA position 4934, C replaced by G.
Protein change: p.Ala1645Gly; replaces alanine 1645 with glycine.
Molecular consequence: missense variant.
Genome position (GRCh38, 1-based): chr9:132,326,664, G>C on the plus strand (C>G on the coding strand, the complement: SETX is on the minus strand). VCF-style: chr9-132326664-G-C. GRCh37 (hg19) VCF-style: chr9-135202051-G-C.
Other names: c.4934C>G, p.Ala1645Gly (NM_001351527.2, NM_001351528.2); short protein forms A1645G.
Identifiers: ClinVar variation 1744214 (VCV001744214.10), dbSNP rs1253978998, ClinGen allele CA375323231.
Genomic context (GRCh38, chr9:132,326,664, plus strand): 5'-TTCGGAGACTGAGGATGAAGAACATTGCACGAATTCTTCATTTCACCAACTGGCTTCTGA[G>C]CTATGAGGGGAACTGGCTGTGGTACTTTCAAAATCGACTGTATCCCCTTTGACTTATTTT-3'
Protein context (NP_055861.3, residues 1635-1655): LKVPQPVPLI[Ala1645Gly]QKPVGEMKNS